The following is an entry in ClinVar:

ClinVar aggregate classification (germline): Conflicting classifications of pathogenicity. Review status: criteria provided, conflicting classifications (1 of 4 stars). 8 submissions from 8 submitters: Uncertain significance (2); Benign (1); Likely benign (4). 1 of the submissions does not count toward it. Last evaluated 2025-12-03.

Conditions:
RAD51C-related disorder. Also called: RAD51C-related condition; RAD51C-related disorders.
Breast-ovarian cancer, familial, susceptibility to, 3. Also called: RAD51C-Related Breast/Ovarian Cancer. Identifiers: Orphanet 145, MedGen C3150659, MONDO:0013253, OMIM 613399.
Fanconi anemia complementation group O. Also called: RAD51C-Related Fanconi Anemia. Identifiers: Orphanet 84, MedGen C3150653, MONDO:0013248, OMIM 613390.
Hereditary cancer-predisposing syndrome. Also called: Tumor predisposition; Hereditary Cancer Syndrome; Neoplastic Syndromes, Hereditary; Hereditary neoplastic syndrome. Identifiers: Orphanet 140162, MedGen C0027672, MeSH D009386, MONDO:0015356.
Hereditary breast ovarian cancer syndrome. Also called: Hereditary breast and ovarian cancer; Hereditary breast and/or ovarian cancer syndrome; BRCA1- and BRCA2-Associated Hereditary Breast and Ovarian Cancer; Hereditary breast and ovarian cancer syndrome; Hereditary breast and ovarian cancer syndrome (HBOC); Breast and ovarian cancer. Identifiers: Orphanet 145, MedGen C0677776, MeSH D061325, MONDO:0003582. Disease mechanism: loss of function.

Submissions (8):

Labcorp Genetics (formerly Invitae), Labcorp
Classification: Benign for Fanconi anemia complementation group O. Last evaluated: 2025-12-03. Review status: criteria provided, single submitter. Criteria: Invitae Variant Classification Sherloc (09022015). Collection method: clinical testing. Allele origin: germline.

Center for Genomic Medicine, Rigshospitalet, Copenhagen University Hospital
Classification: Likely benign. Last evaluated: 2025-03-04. Review status: criteria provided, single submitter. Criteria: ACMG Guidelines, 2015. Collection method: clinical testing. Allele origin: germline.

Myriad Genetics, Inc.
Classification: Likely benign for Breast-ovarian cancer, familial, susceptibility to, 3. Last evaluated: 2025-02-18. Review status: criteria provided, single submitter. Criteria: Myriad Autosomal Dominant, Autosomal Recessive and X-Linked Classification Criteria (2023). Collection method: clinical testing. Allele origin: unknown.
Comment: This variant is considered likely benign. This variant is intronic and is not expected to impact mRNA splicing. This variant is strongly associated with less severe personal and family histories of cancer, typical for individuals without pathogenic variants in this gene [PMID: 25085752].

Fulgent Genetics
Classification: Likely benign for Fanconi anemia complementation group O; Breast-ovarian cancer, familial, susceptibility to, 3. Last evaluated: 2024-05-21. Review status: criteria provided, single submitter. Criteria: ACMG Guidelines, 2015. Collection method: clinical testing. Allele origin: germline.

GeneDx
Classification: Uncertain significance. Last evaluated: 2024-02-20. Review status: criteria provided, single submitter. Criteria: GeneDx Variant Classification Process June 2021. Collection method: clinical testing. Allele origin: germline. Affected: yes.
Comment: In silico analysis is inconclusive as to whether the variant alters gene splicing. In the absence of RNA/functional studies, the actual effect of this sequence change is unknown.; Observed in an individual with breast cancer (PMID: 33646313); This variant is associated with the following publications: (PMID: 33646313)

Color Diagnostics, LLC DBA Color Health
Classification: Likely benign for Hereditary cancer-predisposing syndrome. Last evaluated: 2022-12-13. Review status: criteria provided, single submitter. Criteria: ACMG Guidelines, 2015. Collection method: clinical testing. Allele origin: germline.

Department of Pathology and Laboratory Medicine, Sinai Health System
Classification: Uncertain significance for Hereditary breast ovarian cancer syndrome. Last evaluated: 2021-11-11. Review status: criteria provided, single submitter. Criteria: ACMG Guidelines, 2015. Collection method: clinical testing. Allele origin: germline. Affected: yes.

PreventionGenetics, part of Exact Sciences
Classification: Likely benign for RAD51C-related condition. Last evaluated: 2020-03-19. Review status: no assertion criteria provided. Collection method: clinical testing. Allele origin: germline. Not counted in ClinVar's aggregate classification.
Comment: This variant is classified as likely benign based on ACMG/AMP sequence variant interpretation guidelines (Richards et al. 2015 PMID: 25741868, with internal and published modifications).

Literature cited by the submitters: PubMed 25085752 (cited by Myriad Genetics, Inc.).

NM_058216.3(RAD51C):c.572-11del

Gene: RAD51C (RAD51 paralog C; plus strand). Cytogenetic location: 17q22.
Variant type: Deletion.
Coding change: c.572-11del on transcript NM_058216.3 (MANE Select); 11 bases into the intron before coding-DNA position 572, one base deleted (T; older notation c.572-11delT).
Molecular consequence: intron variant.
Genome position (GRCh38, 1-based): chr17:58,703,185, T deleted; the last of 4 consecutive T bases (chr17:58,703,182-58,703,185); deleting any one gives the same sequence. VCF-style (leftmost placement, unchanged base first): chr17-58703181-GT-G. GRCh37 (hg19) VCF-style: chr17-56780542-GT-G.
Other names: c.572-11del (LRG_314t1); c.572-11delT (NM_058216.3, NM_058216.2).
Identifiers: ClinVar variation 128208 (VCV000128208.30), dbSNP rs587780258, ClinGen allele CA288627.